The following is an entry in ClinVar:

NM_181458.4(PAX3):c.91A>C (p.Thr31Pro)

Gene: PAX3 (paired box 3; minus strand). Cytogenetic location: 2q36.1.
Variant type: single nucleotide variant.
Coding change: c.91A>C on transcript NM_181458.4 (MANE Select); coding-DNA position 91, A replaced by C.
Protein change: p.Thr31Pro; replaces threonine 31 with proline.
Molecular consequence: missense variant.
Genome position (GRCh38, 1-based): chr2:222,297,208, T>G on the plus strand (A>C on the coding strand, the complement: PAX3 is on the minus strand). VCF-style: chr2-222297208-T-G. GRCh37 (hg19) VCF-style: chr2-223161927-T-G.
Other names: c.91A>C, p.Thr31Pro (NM_000438.6, NM_001127366.3, NM_013942.5 and 4 more transcripts); short protein forms T31P.
Identifiers: ClinVar variation 2574253 (VCV002574253.1), dbSNP rs763759876, ClinGen allele CA351113840.

ClinVar aggregate classification (germline): Uncertain significance (1 of 4 stars; one submission).

Submission:

GeneDx
Classification: Uncertain significance. Last evaluated: 2023-01-31. Review status: criteria provided, single submitter. Criteria: GeneDx Variant Classification Process June 2021. Collection method: clinical testing. Allele origin: germline. Affected: yes.
Comment: Not observed at significant frequency in large population cohorts (gnomAD); In silico analysis supports that this missense variant has a deleterious effect on protein structure/function; Has not been previously published as pathogenic or benign to our knowledge